The following is an entry in ClinVar:

ClinVar aggregate classification (germline): Pathogenic. Review status: criteria provided, multiple submitters, no conflicts (2 of 4 stars). 6 submissions from 6 submitters: Pathogenic (5). 1 of the submissions does not count toward it. Last evaluated 2026-02-05.

Conditions:
PKD2-related disorder. Also called: PKD2-related condition.
Autosomal dominant polycystic kidney disease. Identifiers: Orphanet 730, MedGen C0085413, MONDO:0004691.
Polycystic kidney disease 2 (PKD2). Also called: POLYCYSTIC KIDNEY DISEASE, ADULT, TYPE II; POLYCYSTIC KIDNEY DISEASE 2 WITH OR WITHOUT POLYCYSTIC LIVER DISEASE; Polycystic Kidney Disease 2, Autosomal Dominant. Identifiers: MedGen C2751306, MONDO:0013131, OMIM 613095.

Submissions (6):

Victorian Clinical Genetics Services, Murdoch Childrens Research Institute
Classification: Pathogenic for Polycystic kidney disease 2. Last evaluated: 2026-02-05. Review status: criteria provided, single submitter. Criteria: ACMG Guidelines, 2015. Collection method: clinical testing. Allele origin: germline. Affected: yes.
Comment: This variant is classified as Pathogenic. Evidence in support of pathogenic classification: Variant is predicted to cause nonsense-mediated decay (NMD) and loss of protein (premature termination codon is located at least 54 nucleotides upstream of the final exon-exon junction); Variant is absent from gnomAD (v2, v3 and v4); This variant has strong previous evidence of pathogenicity in unrelated individuals. This variant has been submitted to ClinVar as pathogenic. It has also been reported in the literature in a large family with eleven heterozygous individuals and a clinical history of ADPKD (PMIDs: 15108213) and in an Iranian family with polycystic kidney disease (PMID: 26950445). Additionally, it is present in two families in the PKD foundation database; Other NMD-predicted variants comparable to the one identified in this case have very strong previous evidence for pathogenicity. Many NMD-predicted variants have been reported as pathogenic/likely pathogenic (ClinVar). Additional information: This variant is heterozygous; This gene is associated with autosomal dominant disease; Loss of function is a known mechanism of disease in this gene and is associated with polycystic kidney disease 2 (MIM#613095); Inheritance information for this variant is not currently available in this individual.

GeneDx
Classification: Pathogenic. Last evaluated: 2025-06-30. Review status: criteria provided, single submitter. Criteria: GeneDx Variant Classification Process June 2021. Collection method: clinical testing. Allele origin: germline. Affected: yes.
Comment: Nonsense variant predicted to result in protein truncation or nonsense mediated decay in a gene for which loss of function is a known mechanism of disease; Not observed at significant frequency in large population cohorts (gnomAD); This variant is associated with the following publications: (PMID: 15108213, 26950445, 10760080)

Fulgent Genetics
Classification: Pathogenic for Polycystic kidney disease 2. Last evaluated: 2024-04-10. Review status: criteria provided, single submitter. Criteria: ACMG Guidelines, 2015. Collection method: clinical testing. Allele origin: germline.

Athena Diagnostics
Classification: Pathogenic. Last evaluated: 2020-08-05. Review status: criteria provided, single submitter. Criteria: Athena Diagnostics Criteria. Collection method: clinical testing. Allele origin: unknown.
Comment: The variant creates a premature nonsense codon, and is therefore predicted to result in the loss of a functional protein. Found in at least one patient with expected phenotype for this gene, and not found in general population data.

Blueprint Genetics
Classification: Pathogenic for PKD2-related disorders. Last evaluated: 2019-05-10. Review status: criteria provided, single submitter. Criteria: ACMG Guidelines, 2015. Collection method: clinical testing. Allele origin: germline. Affected: yes. Observed: 1 variant allele.

Laboratory of Gastroenterology and Hepatology, Radboud University Medical Center
Classification: Pathogenic for Autosomal dominant polycystic kidney disease. Last evaluated: 2021-09-01. Review status: no assertion criteria provided. Collection method: research. Allele origin: germline. Affected: yes. Not counted in ClinVar's aggregate classification.

Literature cited by the submitters: PubMed 15108213 (cited by Victorian Clinical Genetics Services, Murdoch Childrens Research Institute); PubMed 26950445 (cited by Victorian Clinical Genetics Services, Murdoch Childrens Research Institute and Athena Diagnostics); PubMed 10760080 (cited by Athena Diagnostics).

NM_000297.4(PKD2):c.556C>T (p.Arg186Ter)

Genes: PKD2 (polycystin 2, transient receptor potential cation channel; plus strand), LOC129992813 (ATAC-STARR-seq lymphoblastoid silent region 15559; plus strand). Cytogenetic location: 4q22.1.
Variant type: single nucleotide variant.
Coding change: c.556C>T on transcript NM_000297.4 (MANE Select); coding-DNA position 556, C replaced by T.
Protein change: p.Arg186Ter; replaces arginine 186 with a stop codon.
Molecular consequence: nonsense. On other transcripts: non-coding transcript variant (1).
Genome position (GRCh38, 1-based): chr4:88,008,289, C>T. VCF-style: chr4-88008289-C-T. GRCh37 (hg19) VCF-style: chr4-88929441-C-T.
Other names: c.556C>T (NM_000297.3); short protein forms R186*.
Identifiers: ClinVar variation 994725 (VCV000994725.33), dbSNP rs1726258048, ClinGen allele CA357627124.